The following is an entry in ClinVar:

NM_000744.7(CHRNA4):c.1401C>G (p.Ser467Arg)

Gene: CHRNA4 (cholinergic receptor nicotinic alpha 4 subunit; minus strand). Cytogenetic location: 20q13.33.
Variant type: single nucleotide variant.
Coding change: c.1401C>G on transcript NM_000744.7 (MANE Select); coding-DNA position 1401, C replaced by G.
Protein change: p.Ser467Arg; replaces serine 467 with arginine.
Molecular consequence: missense variant. On other transcripts: non-coding transcript variant (1).
Genome position (GRCh38, 1-based): chr20:63,350,010, G>C on the plus strand (C>G on the coding strand, the complement: CHRNA4 is on the minus strand). VCF-style: chr20-63350010-G-C. GRCh37 (hg19) VCF-style: chr20-61981362-G-C.
Other names: c.873C>G, p.Ser291Arg (NM_001256573.2); short protein forms S467R, S291R.
Identifiers: ClinVar variation 1469951 (VCV001469951.6), dbSNP rs45569837, ClinGen allele CA409633711.

ClinVar aggregate classification (germline): Uncertain significance (1 of 4 stars; one submission).

Conditions:
Familial sleep-related hypermotor epilepsy. Also called: Autosomal Dominant Sleep-Related Hypermotor (Hyperkinetic) Epilepsy. Identifiers: Orphanet 98784, MedGen C3696898, MONDO:0000030.

Submission:

Labcorp Genetics (formerly Invitae), Labcorp
Classification: Uncertain significance. Last evaluated: 2022-06-24. Review status: criteria provided, single submitter. Criteria: Invitae Variant Classification Sherloc (09022015). Collection method: clinical testing. Allele origin: germline.
Comment: In summary, the available evidence is currently insufficient to determine the role of this variant in disease. Therefore, it has been classified as a Variant of Uncertain Significance. Algorithms developed to predict the effect of missense changes on protein structure and function are either unavailable or do not agree on the potential impact of this missense change (SIFT: "Deleterious"; PolyPhen-2: "Benign"; Align-GVGD: "Class C0"). This missense change has been observed in at least one individual who was not affected with CHRNA4-related conditions (Invitae). This variant has not been reported in the literature in individuals affected with CHRNA4-related conditions. This variant is not present in population databases (gnomAD no frequency). This sequence change replaces serine, which is neutral and polar, with arginine, which is basic and polar, at codon 467 of the CHRNA4 protein (p.Ser467Arg).